The following is an entry in ClinVar:

NM_015102.5(NPHP4):c.599A>G (p.His200Arg)

Gene: NPHP4 (nephrocystin 4; minus strand). Cytogenetic location: 1p36.31.
Variant type: single nucleotide variant.
Coding change: c.599A>G on transcript NM_015102.5 (MANE Select); coding-DNA position 599, A replaced by G.
Protein change: p.His200Arg; replaces histidine 200 with arginine.
Molecular consequence: missense variant. On other transcripts: 5 prime UTR variant (2), non-coding transcript variant (1).
Genome position (GRCh38, 1-based): chr1:5,961,868, T>C on the plus strand (A>G on the coding strand, the complement: NPHP4 is on the minus strand). VCF-style: chr1-5961868-T-C. GRCh37 (hg19) VCF-style: chr1-6021928-T-C.
Other names: c.-631A>G (NM_001291593.2); c.-768A>G (NM_001291594.2); short protein forms H200R.
Identifiers: ClinVar variation 240971 (VCV000240971.8), dbSNP rs878854994, ClinGen allele CA10581816.

ClinVar aggregate classification (germline): Uncertain significance (1 of 4 stars; one submission).

Conditions:
Nephronophthisis. Also called: Juvenile Nephronophthisis. Identifiers: Orphanet 655, MedGen C0687120, MONDO:0019005, HP:0000090.

Allele frequency attached by ClinVar (database versions not stated): gnomAD exomes below 0.00001.
gnomAD v4.1: 2 of 1,613,802 alleles (0.00012%); highest among the groups gnomAD compares: Non-Finnish European, 0.00017%; no homozygotes.

Submission:

Labcorp Genetics (formerly Invitae), Labcorp
Classification: Uncertain significance for Nephronophthisis. Last evaluated: 2022-02-05. Review status: criteria provided, single submitter. Criteria: Invitae Variant Classification Sherloc (09022015). Collection method: clinical testing. Allele origin: germline.
Comment: This sequence change replaces histidine, which is basic and polar, with arginine, which is basic and polar, at codon 200 of the NPHP4 protein (p.His200Arg). This variant is not present in population databases (gnomAD no frequency). This variant has not been reported in the literature in individuals affected with NPHP4-related conditions. ClinVar contains an entry for this variant (Variation ID: 240971). Algorithms developed to predict the effect of missense changes on protein structure and function are either unavailable or do not agree on the potential impact of this missense change (SIFT: "Tolerated"; PolyPhen-2: "Possibly Damaging"; Align-GVGD: "Class C0"). In summary, the available evidence is currently insufficient to determine the role of this variant in disease. Therefore, it has been classified as a Variant of Uncertain Significance.